The following is an entry in ClinVar:

ClinVar aggregate classification (germline): Uncertain significance. Review status: criteria provided, multiple submitters, no conflicts (2 of 4 stars). 2 submissions from 2 submitters: Uncertain significance (2). Last evaluated 2025-10-28.

Conditions:
Inborn genetic diseases. Identifiers: MedGen C0950123, MeSH D030342.

gnomAD v4.1: 10 of 1,606,964 alleles (0.00062%); highest among the groups gnomAD compares: Middle Eastern, 0.15%; no homozygotes.

Submissions (2):

Ambry Genetics
Classification: Uncertain significance for Inborn genetic diseases. Last evaluated: 2025-10-28. Review status: criteria provided, single submitter. Criteria: Ambry Variant Classification Scheme 2023. Collection method: clinical testing. Allele origin: germline.

Labcorp Genetics (formerly Invitae), Labcorp
Classification: Uncertain significance. Last evaluated: 2022-05-10. Review status: criteria provided, single submitter. Criteria: Invitae Variant Classification Sherloc (09022015). Collection method: clinical testing. Allele origin: germline.
Comment: Algorithms developed to predict the effect of missense changes on protein structure and function (SIFT, PolyPhen-2, Align-GVGD) all suggest that this variant is likely to be disruptive. This sequence change replaces lysine, which is basic and polar, with asparagine, which is neutral and polar, at codon 271 of the IFT74 protein (p.Lys271Asn). This variant is present in population databases (rs747034938, gnomAD 0.004%). This variant has not been reported in the literature in individuals affected with IFT74-related conditions. In summary, the available evidence is currently insufficient to determine the role of this variant in disease. Therefore, it has been classified as a Variant of Uncertain Significance.

NM_025103.4(IFT74):c.813A>T (p.Lys271Asn)

Gene: IFT74 (intraflagellar transport 74; plus strand). Cytogenetic location: 9p21.2.
Variant type: single nucleotide variant.
Coding change: c.813A>T on transcript NM_025103.4 (MANE Select); coding-DNA position 813, A replaced by T.
Protein change: p.Lys271Asn; replaces lysine 271 with asparagine.
Molecular consequence: missense variant.
Genome position (GRCh38, 1-based): chr9:27,016,930, A>T. VCF-style: chr9-27016930-A-T. GRCh37 (hg19) VCF-style: chr9-27016928-A-T.
Other names: c.813A>T (NM_001099222.1); c.813A>T, p.Lys271Asn (NM_001099222.3, NM_001099223.3, NM_001099224.3 and 1 more transcripts); short protein forms K271N.
Identifiers: ClinVar variation 2184050 (VCV002184050.3), dbSNP rs747034938, ClinGen allele CA5015413.